The following is an entry in ClinVar:

ClinVar aggregate classification (germline): Benign/Likely benign. Review status: criteria provided, multiple submitters, no conflicts (2 of 4 stars). 3 submissions from 3 submitters: Benign (2); Likely benign (1). Last evaluated 2025-11-10.

Allele frequency attached by ClinVar (database versions not stated): TOPMed 0.00023; gnomAD exomes 0.00026; ESP Exome Variant Server 0.00029; ExAC 0.00031; gnomAD 0.00035 and 0.00037; 1000 Genomes Project 0.00053; 1000 Genomes Project 30x 0.00062.
gnomAD v4.1: 543 of 1,208,761 alleles (0.045%); highest among the groups gnomAD compares: Non-Finnish European, 0.057%; 1 homozygote.

Submissions (3):

Labcorp Genetics (formerly Invitae), Labcorp
Classification: Benign. Last evaluated: 2025-11-10. Review status: criteria provided, single submitter. Criteria: Invitae Variant Classification Sherloc (09022015). Collection method: clinical testing. Allele origin: germline.

CeGaT Center for Human Genetics Tuebingen
Classification: Likely benign. Last evaluated: 2024-03-01. Review status: criteria provided, single submitter. Criteria: CeGaT Center For Human Genetics Tuebingen Variant Classification Criteria Version 2. Collection method: clinical testing. Allele origin: germline. Affected: yes. Observed: 1 variant allele.
Comment: USP9X: BP4, BP7, BS2

Breakthrough Genomics
Classification: Benign. Review status: criteria provided, single submitter. Criteria: ACMG Guidelines, 2015. Collection method: not provided. Allele origin: germline. Inheritance: X-linked inheritance. Affected: yes.

NM_001039591.3(USP9X):c.7470G>A (p.Ser2490=)

Gene: USP9X (ubiquitin specific peptidase 9 X-linked; plus strand). Cytogenetic location: Xp11.4.
Variant type: single nucleotide variant.
Coding change: c.7470G>A on transcript NM_001039591.3 (MANE Select); coding-DNA position 7470, G replaced by A.
Protein change: p.Ser2490=; no amino-acid change (serine 2490 retained).
Molecular consequence: synonymous variant.
Genome position (GRCh38, 1-based): chrX:41,230,539, G>A. VCF-style: chrX-41230539-G-A. GRCh37 (hg19) VCF-style: chrX-41089792-G-A.
Other names: c.7518G>A, p.Ser2506= (NM_001039590.3).
Identifiers: ClinVar variation 746281 (VCV000746281.30), dbSNP rs200344642, ClinGen allele CA10389231.